The following is an entry in ClinVar:

NM_017636.4(TRPM4):c.1362C>A (p.Phe454Leu)

Gene: TRPM4 (transient receptor potential cation channel subfamily M member 4; plus strand). Cytogenetic location: 19q13.33.
Variant type: single nucleotide variant.
Coding change: c.1362C>A on transcript NM_017636.4 (MANE Select); coding-DNA position 1362, C replaced by A.
Protein change: p.Phe454Leu; replaces phenylalanine 454 with leucine.
Molecular consequence: missense variant. On other transcripts: 5 prime UTR variant (1).
Genome position (GRCh38, 1-based): chr19:49,182,676, C>A. VCF-style: chr19-49182676-C-A. GRCh37 (hg19) VCF-style: chr19-49685933-C-A.
Other names: c.1362C>A, p.Phe454Leu (NM_001195227.2); c.1017C>A, p.Phe339Leu (NM_001321281.2); c.-192C>A (NM_001321282.2); c.840C>A, p.Phe280Leu (NM_001321283.2); c.300C>A, p.Phe100Leu (NM_001321285.2); short protein forms F100L, F280L, F454L, F339L.
Identifiers: ClinVar variation 1770859 (VCV001770859.2), dbSNP rs762368652, ClinGen allele CA406799190.

ClinVar aggregate classification (germline): Uncertain significance (1 of 4 stars; one submission).

Conditions:
Cardiovascular phenotype. Identifiers: MedGen CN230736.

Submission:

Ambry Genetics
Classification: Uncertain significance for Cardiovascular phenotype. Last evaluated: 2022-04-23. Review status: criteria provided, single submitter. Criteria: Ambry Variant Classification Scheme 2023. Collection method: clinical testing. Allele origin: germline.
Comment: The p.F454L variant (also known as c.1362C>A), located in coding exon 11 of the TRPM4 gene, results from a C to A substitution at nucleotide position 1362. The phenylalanine at codon 454 is replaced by leucine, an amino acid with highly similar properties. This amino acid position is conserved. In addition, this alteration is predicted to be tolerated by in silico analysis. Since supporting evidence is limited at this time, the clinical significance of this alteration remains unclear.